The following is an entry in ClinVar:

NM_033028.5(BBS4):c.1549_1551del (p.Arg517del)

Gene: BBS4 (Bardet-Biedl syndrome 4; plus strand). Cytogenetic location: 15q24.1.
Variant type: Deletion.
Coding change: c.1549_1551del on transcript NM_033028.5 (MANE Select); coding-DNA positions 1549 to 1551, 3 bases deleted (AGA; older notation c.1549_1551delAGA).
Protein change: p.Arg517del; deletes arginine 517.
Molecular consequence: inframe deletion. On other transcripts: non-coding transcript variant (2).
Genome position (GRCh38, 1-based): chr15:72,737,576-72,737,578, AGA deleted; deleting any 3 consecutive bases within chr15:72,737,575-72,737,578 gives the same sequence; the c. name uses the placement nearest the transcript's 3' end. VCF-style (leftmost placement, unchanged base first): chr15-72737574-TAAG-T. GRCh37 (hg19) VCF-style: chr15-73029915-TAAG-T.
Other names: c.1033_1035del, p.Arg345del (NM_001252678.2); c.1480_1482del, p.Arg494del (NM_001320665.2); c.1549_1551delAGA (NM_033028.4); short protein forms R345del, R494del, R517del.
Identifiers: ClinVar variation 2418870 (VCV002418870.6), dbSNP rs759099125, ClinGen allele CA7647065.

ClinVar aggregate classification (germline): Uncertain significance. Review status: criteria provided, multiple submitters, no conflicts (2 of 4 stars). 3 submissions from 3 submitters: Uncertain significance (3). Last evaluated 2025-12-15.

Conditions:
Bardet-Biedl syndrome (BBS). Identifiers: Orphanet 110, MedGen C0752166, MONDO:0015229.
BBS4-related disorder. Also called: BBS4-related condition.

Submissions (3):

PreventionGenetics, part of Exact Sciences
Classification: Uncertain significance for BBS4-related condition. Last evaluated: 2025-12-15. Review status: criteria provided, single submitter. Criteria: ACMG Guidelines, 2015. Collection method: clinical testing. Allele origin: germline.
Comment: The BBS4 c.1549_1551delAGA variant is predicted to result in an in-frame deletion (p.Arg517del). To our knowledge, this variant has not been reported in the literature. This variant is reported in 0.015% of alleles in individuals of Latino descent in gnomAD. At this time, the clinical significance of this variant is uncertain due to the absence of conclusive functional and genetic evidence.

Labcorp Genetics (formerly Invitae), Labcorp
Classification: Uncertain significance for Bardet-Biedl syndrome. Last evaluated: 2022-08-06. Review status: criteria provided, single submitter. Criteria: Invitae Variant Classification Sherloc (09022015). Collection method: clinical testing. Allele origin: germline.
Comment: This variant, c.1549_1551del, results in the deletion of 1 amino acid(s) of the BBS4 protein (p.Arg517del), but otherwise preserves the integrity of the reading frame. This variant is present in population databases (rs759099125, gnomAD 0.02%). This variant has not been reported in the literature in individuals affected with BBS4-related conditions. Experimental studies and prediction algorithms are not available or were not evaluated, and the functional significance of this variant is currently unknown. In summary, the available evidence is currently insufficient to determine the role of this variant in disease. Therefore, it has been classified as a Variant of Uncertain Significance.

Blueprint Genetics
Classification: Uncertain significance. Last evaluated: 2019-12-10. Review status: criteria provided, single submitter. Criteria: ACMG Guidelines, 2015. Collection method: clinical testing. Allele origin: germline.